The following is an entry in ClinVar:

ClinVar aggregate classification (germline): Likely pathogenic (1 of 4 stars; one submission).

Conditions:
Renal cysts and diabetes syndrome (RCAD). Also called: MATURITY-ONSET DIABETES OF THE YOUNG, TYPE 5; Familial hypoplastic, glomerulocystic kidney. Identifiers: Orphanet 93111, MedGen C0431693, MONDO:0007669, OMIM 137920.

Submission:

MVZ Medizinische Genetik Mainz
Classification: Likely pathogenic for Renal cysts and diabetes syndrome. Last evaluated: 2023-03-28. Review status: criteria provided, single submitter. Criteria: UK Practice Guidelines For Variant Classification V4 01 2020. Collection method: clinical testing. Allele origin: germline. Inheritance: Autosomal dominant inheritance. Affected: yes. Observed: 1 variant allele.
Comment: ACMG Criteria: PM1, PM5, PM2_SUP, PP2, PP3, PP4 (ACMG Version 4)

NM_000458.4(HNF1B):c.493C>A (p.Arg165Ser)

Gene: HNF1B (HNF1 homeobox B; minus strand). Cytogenetic location: 17q12.
Variant type: single nucleotide variant.
Coding change: c.493C>A on transcript NM_000458.4 (MANE Select); coding-DNA position 493, C replaced by A.
Protein change: p.Arg165Ser; replaces arginine 165 with serine.
Molecular consequence: missense variant.
Genome position (GRCh38, 1-based): chr17:37,739,491, G>T on the plus strand (C>A on the coding strand, the complement: HNF1B is on the minus strand). VCF-style: chr17-37739491-G-T. GRCh37 (hg19) VCF-style: chr17-36099482-G-T.
Other names: c.493C>A, p.Arg165Ser (NM_001165923.4, NM_001304286.2, NM_001411100.1); short protein forms R165S.
Identifiers: ClinVar variation 3234050 (VCV003234050.1), dbSNP rs2511828535, ClinGen allele CA398751245.